The following is an entry in ClinVar:

ClinVar aggregate classification (germline): Uncertain significance (1 of 4 stars; one submission).

gnomAD v4.1: 9 of 1,614,070 alleles (0.00056%); highest among the groups gnomAD compares: South Asian, 0.0033%; no homozygotes.

Submission:

GeneDx
Classification: Uncertain significance. Last evaluated: 2023-10-22. Review status: criteria provided, single submitter. Criteria: GeneDx Variant Classification Process June 2021. Collection method: clinical testing. Allele origin: germline. Affected: yes.
Comment: In silico analysis supports that this missense variant has a deleterious effect on protein structure/function; Has not been previously published as pathogenic or benign to our knowledge

NM_003361.4(UMOD):c.1414T>C (p.Tyr472His)

Gene: UMOD (uromodulin; minus strand). Cytogenetic location: 16p12.3.
Variant type: single nucleotide variant.
Coding change: c.1414T>C on transcript NM_003361.4 (MANE Select); coding-DNA position 1414, T replaced by C.
Protein change: p.Tyr472His; replaces tyrosine 472 with histidine.
Molecular consequence: missense variant. On other transcripts: non-coding transcript variant (1).
Genome position (GRCh38, 1-based): chr16:20,341,254, A>G on the plus strand (T>C on the coding strand, the complement: UMOD is on the minus strand). VCF-style: chr16-20341254-A-G. GRCh37 (hg19) VCF-style: chr16-20352576-A-G.
Other names: c.1414T>C, p.Tyr472His (NM_001008389.3, NM_001378232.1, NM_001378233.1); c.1513T>C, p.Tyr505His (NM_001278614.2); c.1555T>C, p.Tyr519His (NM_001378234.1, NM_001378235.1); short protein forms Y472H, Y505H, Y519H.
Identifiers: ClinVar variation 3363271 (VCV003363271.1).